The following is an entry in ClinVar:

ClinVar aggregate classification (germline): Pathogenic (1 of 4 stars; one submission).

Submission:

Labcorp Genetics (formerly Invitae), Labcorp
Classification: Pathogenic. Last evaluated: 2025-06-12. Review status: criteria provided, single submitter. Criteria: Invitae Variant Classification Sherloc (09022015). Collection method: clinical testing. Allele origin: germline.
Comment: This sequence change creates a premature translational stop signal (p.Leu1396Profs*4) in the COL4A4 gene. It is expected to result in an absent or disrupted protein product. Loss-of-function variants in COL4A4 are known to be pathogenic (PMID: 21196518, 24854265, 25307543). This variant is not present in population databases (gnomAD no frequency). This variant has not been reported in the literature in individuals affected with COL4A4-related conditions. ClinVar contains an entry for this variant (Variation ID: 1452063). For these reasons, this variant has been classified as Pathogenic.

Literature cited by the submitters: PubMed 21196518; PubMed 24854265; PubMed 25307543.

NM_000092.5(COL4A4):c.4187del (p.Leu1396fs)

Gene: COL4A4 (collagen type IV alpha 4 chain; minus strand). Cytogenetic location: 2q36.3.
Variant type: Deletion.
Coding change: c.4187del on transcript NM_000092.5 (MANE Select); coding-DNA position 4187, one base deleted (T; older notation c.4187delT).
Protein change: p.Leu1396fs; shifts the reading frame from leucine 1396.
Molecular consequence: frameshift variant.
Genome position (GRCh38, 1-based): chr2:227,022,077, A deleted on the plus strand (T on the coding strand, the reverse complement: COL4A4 is on the minus strand). VCF-style (leftmost placement, unchanged base first): chr2-227022076-GA-G. GRCh37 (hg19) VCF-style: chr2-227886792-GA-G.
Other names: short protein forms L1396fs.
Identifiers: ClinVar variation 1452063 (VCV001452063.6), dbSNP rs2149852923, ClinGen allele CA2573135341.